The following is an entry in ClinVar:

NM_021957.4(GYS2):c.1427T>A (p.Ile476Asn)

Gene: GYS2 (glycogen synthase 2; minus strand). Cytogenetic location: 12p12.1.
Variant type: single nucleotide variant.
Coding change: c.1427T>A on transcript NM_021957.4 (MANE Select); coding-DNA position 1427, T replaced by A.
Protein change: p.Ile476Asn; replaces isoleucine 476 with asparagine.
Molecular consequence: missense variant.
Genome position (GRCh38, 1-based): chr12:21,546,466, A>T on the plus strand (T>A on the coding strand, the complement: GYS2 is on the minus strand). VCF-style: chr12-21546466-A-T. GRCh37 (hg19) VCF-style: chr12-21699400-A-T.
Other names: p.I476N:ATT>AAT; short protein forms I476N.
Identifiers: ClinVar variation 214532 (VCV000214532.2), dbSNP rs863224039, ClinGen allele CA324545.

ClinVar aggregate classification (germline): Likely pathogenic (1 of 4 stars; one submission).

gnomAD v4.1: 1 of 1,594,600 alleles (0.000063%); highest among the groups gnomAD compares: Non-Finnish European, 0.000086%; no homozygotes.

Submission:

GeneDx
Classification: Likely pathogenic. Last evaluated: 2014-02-20. Review status: criteria provided, single submitter. Criteria: GeneDx Variant Classification (06012015). Collection method: clinical testing. Allele origin: germline. Affected: yes.
Comment: p.Ile476Asn (ATT>AAT): c.1427 T>A in exon 12 of the GYS2 gene (NM_021957.3). The I476N variant has not been published as a mutation, nor has it been reported as a benign polymorphism to our knowledge. The I476N variant is a non-conservative amino acid substitution, which is likely to impact secondary protein structure as these residues differ in polarity, charge, size and/or other properties. This substitution occurs at a position that is conserved in mammals. In silico analysis predicts this variant is probably damaging to the protein structure/function. Therefore, this variant is a strong candidate for a pathogenic mutation, however the possibility that it is a benign variant cannot be excluded. The variant is found in MITONUC-MITOP panel(s).